The following is an entry in ClinVar:

NM_000702.4(ATP1A2):c.193C>T (p.Arg65Trp)

Gene: ATP1A2 (ATPase Na+/K+ transporting subunit alpha 2; plus strand). Cytogenetic location: 1q23.2.
Variant type: single nucleotide variant.
Coding change: c.193C>T on transcript NM_000702.4 (MANE Select); coding-DNA position 193, C replaced by T.
Protein change: p.Arg65Trp; replaces arginine 65 with tryptophan.
Molecular consequence: missense variant.
Genome position (GRCh38, 1-based): chr1:160,123,228, C>T. VCF-style: chr1-160123228-C-T. GRCh37 (hg19) VCF-style: chr1-160093018-C-T.
Other names: short protein forms R65W.
Identifiers: ClinVar variation 12929 (VCV000012929.25), dbSNP rs121918619, ClinGen allele CA256653.

ClinVar aggregate classification (germline): Uncertain significance. Review status: criteria provided, multiple submitters, no conflicts (2 of 4 stars). 7 submissions from 7 submitters: Uncertain significance (5). 2 of the submissions do not count toward it. Last evaluated 2025-11-17.

Conditions:
Familial hemiplegic migraine. Identifiers: MedGen C0338484, MONDO:0000700.
Migraine, familial hemiplegic, 2. Identifiers: Orphanet 569, MedGen C1865322, MONDO:0011232, OMIM 602481.

Allele frequency attached by ClinVar (database versions not stated): gnomAD exomes 0.00006; TOPMed 0.00006; ExAC 0.00009.
gnomAD v4.1: 130 of 1,614,074 alleles (0.0081%); highest among the groups gnomAD compares: Middle Eastern, 0.016%; no homozygotes.

Submissions (7):

Labcorp Genetics (formerly Invitae), Labcorp
Classification: Uncertain significance for Familial hemiplegic migraine. Last evaluated: 2025-11-17. Review status: criteria provided, single submitter. Criteria: Invitae Variant Classification Sherloc (09022015). Collection method: clinical testing. Allele origin: germline.
Comment: This sequence change replaces arginine, which is basic and polar, with tryptophan, which is neutral and slightly polar, at codon 65 of the ATP1A2 protein (p.Arg65Trp). This variant is present in population databases (rs121918619, gnomAD 0.01%). This missense change has been observed in individual(s) with familial hemiplegic migraine (PMID: 17877748). It has also been observed to segregate with disease in related individuals. ClinVar contains an entry for this variant (Variation ID: 12929). Invitae Evidence Modeling of protein sequence and biophysical properties (such as structural, functional, and spatial information, amino acid conservation, physicochemical variation, residue mobility, and thermodynamic stability) indicates that this missense variant is not expected to disrupt ATP1A2 protein function with a negative predictive value of 80%. Experimental studies have shown that this missense change does not substantially affect ATP1A2 function (PMID: 34384358). This variant disrupts the p.Arg65 amino acid residue in ATP1A2. Other variant(s) that disrupt this residue have been observed in individuals with ATP1A2-related conditions (PMID: 35257835), which suggests that this may be a clinically significant amino acid residue. In summary, the available evidence is currently insufficient to determine the role of this variant in disease. Therefore, it has been classified as a Variant of Uncertain Significance.

CeGaT Center for Human Genetics Tuebingen
Classification: Uncertain significance. Last evaluated: 2025-10-01. Review status: criteria provided, single submitter. Criteria: CeGaT Center For Human Genetics Tuebingen Variant Classification Criteria Version 2. Collection method: clinical testing. Allele origin: germline. Affected: yes. Observed: 1 variant allele.
Comment: ATP1A2: PM2:Supporting, PS4:Supporting

GeneDx
Classification: Uncertain significance. Last evaluated: 2025-03-26. Review status: criteria provided, single submitter. Criteria: GeneDx Variant Classification Process June 2021. Collection method: clinical testing. Allele origin: germline. Affected: yes.
Comment: Reported in several individuals with familial hemiplegic migraine including three siblings; however, variant was not present in another sibling with migraines without aura (PMID: 17877748, 21533730); In silico analysis supports that this missense variant has a deleterious effect on protein structure/function; This variant is associated with the following publications: (PMID: 34384358, 35257835, 23334666, 26934580, 26147798, 21533730, 17877748, 36044383)

Centre for Mendelian Genomics, University Medical Centre Ljubljana
Classification: Uncertain significance for Migraine, familial hemiplegic, 2. Last evaluated: 2019-05-13. Review status: criteria provided, single submitter. Criteria: ACMG Guidelines, 2015. Collection method: clinical testing. Allele origin: unknown. Affected: yes.
Comment: This variant was classified as: Uncertain significance. The available evidence on this variant's pathogenicity is insufficient or conflicting. The following ACMG criteria were applied in classifying this variant: PP2,PP3.

Illumina Laboratory Services, Illumina
Classification: Uncertain significance for Migraine, familial hemiplegic, 2. Last evaluated: 2017-08-31. Review status: criteria provided, single submitter. Criteria: ICSL Variant Classification Criteria 13 December 2019. Collection method: clinical testing. Allele origin: germline.
Comment: This variant was observed as part of a predisposition screen in an ostensibly healthy population. A literature search was performed for the gene, cDNA change, and amino acid change (where applicable). Publications were found based on this search. However, the evidence from the literature, in combination with allele frequency data from public databases where available, was not sufficient to rule this variant in or out of causing disease. Therefore, this variant is classified as a variant of unknown significance.

OMIM
Classification: Pathogenic for MIGRAINE, FAMILIAL HEMIPLEGIC, 2. Last evaluated: 2007-12-01. Review status: no assertion criteria provided. Collection method: literature only. Allele origin: germline. Not counted in ClinVar's aggregate classification.

Department of Pathology and Laboratory Medicine, Sinai Health System
Classification: Uncertain significance. Review status: no assertion criteria provided. Collection method: clinical testing. Allele origin: unknown. Affected: yes. Study: The Canadian Open Genetics Repository (COGR). Not counted in ClinVar's aggregate classification.
Comment: The ATP1A2 p.Arg65Trp variant was identified in the literature in three siblings with hemiplegic migraines but was not identified in the fourth siblings who also suffered from migraines (Tonelli_2007_PMID:17877748). The variant was identified in dbSNP (ID: rs121918619) and ClinVar (classified as a VUS by GeneDx). The variant was also identified in control databases in 17 of 282430 chromosomes at a frequency of 0.00006019 (Genome Aggregation Database March 6, 2019, v2.1.1). The variant was observed in the following populations: European (non-Finnish) in 13 of 128770 chromosomes (freq: 0.000101), African in 2 of 24964 chromosomes (freq: 0.00008), East Asian in 1 of 19950 chromosomes (freq: 0.00005) and South Asian in 1 of 30616 chromosomes (freq: 0.000033), but was not observed in the Latino, Ashkenazi Jewish, European (Finnish) or Other populations. The p.Arg65 residue is conserved across mammals and other organisms, and computational analyses (PolyPhen-2, SIFT, AlignGVGD, BLOSUM, MutationTaster) suggest that the variant may impact the protein; however, this information is not predictive enough to assume pathogenicity. The variant occurs outside of the splicing consensus sequence and in silico or computational prediction software programs (SpliceSiteFinder, MaxEntScan, NNSPLICE, GeneSplicer) do not predict a difference in splicing. In summary, based on the above information the clinical significance of this variant cannot be determined with certainty at this time. This variant is classified as a variant of uncertain significance.

Literature cited by the submitters: PubMed 17877748 (cited by 3 submitters); PubMed 34384358 (cited by Labcorp Genetics (formerly Invitae), Labcorp); PubMed 35257835 (cited by Labcorp Genetics (formerly Invitae), Labcorp); PubMed 21533730 (cited by Illumina Laboratory Services, Illumina).